The following is an entry in ClinVar:

NM_001244008.2(KIF1A):c.1021A>C (p.Thr341Pro)

Gene: KIF1A (kinesin family member 1A; minus strand). Cytogenetic location: 2q37.3.
Variant type: single nucleotide variant.
Coding change: c.1021A>C on transcript NM_001244008.2 (MANE Select); coding-DNA position 1021, A replaced by C.
Protein change: p.Thr341Pro; replaces threonine 341 with proline.
Molecular consequence: missense variant.
Genome position (GRCh38, 1-based): chr2:240,774,199, T>G on the plus strand (A>C on the coding strand, the complement: KIF1A is on the minus strand). VCF-style: chr2-240774199-T-G. GRCh37 (hg19) VCF-style: chr2-241713616-T-G.
Other names: c.1021A>C, p.Thr341Pro (NM_001320705.2, NM_001330289.2, NM_001330290.2 and 21 more transcripts); short protein forms T341P.
Identifiers: ClinVar variation 2504638 (VCV002504638.6), dbSNP rs2052419658, ClinGen allele CA351296671.

ClinVar aggregate classification (germline): Likely pathogenic (1 of 4 stars; one submission).

Conditions:
Hereditary spastic paraplegia 30. Identifiers: Orphanet 101010, MedGen C5235139, MONDO:0012476.

Submission:

Clinical Omics and Informatics (COIN) Unit, Neuroscience Institute, University Of Cape Town
Classification: Likely pathogenic for Hereditary spastic paraplegia 30. Last evaluated: 2024-05-22. Review status: criteria provided, single submitter. Criteria: ACMG Guidelines, 2015. Collection method: research. Allele origin: germline. Inheritance: Autosomal dominant inheritance. Affected: yes. Observed: 1 variant allele, 1 heterozygote.
Comment: PM2_supporting: This variant is absent from gnomAD v4.0 (adequate coverage >20x confirmed) and an internal database of 1074 control alleles. PP3_strong: REVEL score is 0.94. PM1: variant is located in a mutational hotspot (functional motor domain) where other pathogenic variants occur (PMID 31488895). PP2: missense Z score is 5.158 Sequencing funded by the International Centre for Genomic Medicine in Neuromuscular Diseases (ICGNMD).

Literature cited by the submitters: PubMed 37712079; PubMed 31488895.